The following is an entry in ClinVar:

NM_015915.5(ATL1):c.127G>A (p.Asp43Asn)

Gene: ATL1 (atlastin GTPase 1; plus strand). Cytogenetic location: 14q22.1.
Variant type: single nucleotide variant.
Coding change: c.127G>A on transcript NM_015915.5 (MANE Select); coding-DNA position 127, G replaced by A.
Protein change: p.Asp43Asn; replaces aspartic acid 43 with asparagine.
Molecular consequence: missense variant.
Genome position (GRCh38, 1-based): chr14:50,587,923, G>A. VCF-style: chr14-50587923-G-A. GRCh37 (hg19) VCF-style: chr14-51054641-G-A.
Other names: c.127G>A, p.Asp43Asn (NM_001127713.1, NM_181598.4); short protein forms D43N.
Identifiers: ClinVar variation 546294 (VCV000546294.2), dbSNP rs1417905777, ClinGen allele CA389665481.

ClinVar aggregate classification (germline): Uncertain significance (1 of 4 stars; one submission).

Submission:

GeneDx
Classification: Uncertain significance. Last evaluated: 2018-05-10. Review status: criteria provided, single submitter. Criteria: GeneDx Variant Classification (06012015). Collection method: clinical testing. Allele origin: germline. Affected: yes.
Comment: The D43N variant has not been published as a pathogenic variant, nor has it been reported as a benign variant to our knowledge. The D43N variant is not observed in large population cohorts (Lek et al., 2016). The D43N variant is a semi-conservative amino acid substitution, which may impact secondary protein structure as these residues differ in some properties. In-silico analyses, including protein predictors and evolutionary conservation, support a deleterious effect. Based on the currently available information, it is unclear whether this variant is a pathogenic variant or a rare benign variant.